The following is an entry in ClinVar:

NM_139281.3(WDR36):c.208G>A (p.Asp70Asn)

Gene: WDR36 (WD repeat domain 36; plus strand). Cytogenetic location: 5q22.1.
Variant type: single nucleotide variant.
Coding change: c.208G>A on transcript NM_139281.3 (MANE Select); coding-DNA position 208, G replaced by A.
Protein change: p.Asp70Asn; replaces aspartic acid 70 with asparagine.
Molecular consequence: missense variant.
Genome position (GRCh38, 1-based): chr5:111,097,096, G>A. VCF-style: chr5-111097096-G-A. GRCh37 (hg19) VCF-style: chr5-110432794-G-A.
Other names: short protein forms D126N, D70N.
Identifiers: ClinVar variation 350303 (VCV000350303.4), dbSNP rs115541547, ClinGen allele CA3365211.

ClinVar aggregate classification (germline): Uncertain significance (1 of 4 stars; one submission).

Allele frequency attached by ClinVar (database versions not stated): 1000 Genomes Project 30x 0.00031; 1000 Genomes Project 0.00040; ExAC 0.00051; gnomAD exomes 0.00055 and 0.00123; gnomAD 0.00057 and 0.00059; TOPMed 0.00060; ESP Exome Variant Server 0.00062.
gnomAD v4.1: 1,826 of 1,612,956 alleles (0.11%); highest among the groups gnomAD compares: Non-Finnish European, 0.15%; 1 homozygote.

Submission:

Laboratory for Molecular Medicine, Mass General Brigham Personalized Medicine
Classification: Uncertain significance. Last evaluated: 2016-03-29. Review status: criteria provided, single submitter. Criteria: LMM Criteria. Collection method: clinical testing. Allele origin: germline.
Comment: Variant identified in a genome or exome case(s) and assessed due to predicted null impact of the variant or pathogenic assertions in the literature or databases. Disclaimer: This variant has not undergone full assessment. The following are preliminary notes: Reported in one patient with glaucoma (Pasutto 2008).